The following is an entry in ClinVar:

NM_004064.5(CDKN1B):c.295_305dup (p.Gln104fs)

Gene: CDKN1B (cyclin dependent kinase inhibitor 1B; plus strand). Cytogenetic location: 12p13.1.
Variant type: Duplication.
Coding change: c.295_305dup on transcript NM_004064.5 (MANE Select); coding-DNA positions 295 to 305, 11 bases duplicated (TGCAAGGTGCC).
Protein change: p.Gln104fs; shifts the reading frame from glutamine 104.
Molecular consequence: frameshift variant.
Genome position (GRCh38, 1-based): chr12:12,718,134-12,718,144, TGCAAGGTGCC duplicated; duplicating any 11 consecutive bases within chr12:12,718,126-12,718,144 gives the same sequence; the c. name uses the placement nearest the transcript's 3' end. VCF-style (leftmost placement, unchanged base first): chr12-12718125-A-AAAGGTGCCTGC. GRCh37 (hg19) VCF-style: chr12-12871059-A-AAAGGTGCCTGC.
Other names: c.295_305dupTGCAAGGTGCC (NM_004064.3); short protein forms Q104fs.
Identifiers: ClinVar variation 2909644 (VCV002909644.4), dbSNP rs2136356028, ClinGen allele CA645581240.
Genomic context (GRCh38, chr12:12,718,125, plus strand): 5'-TGGCAAGAGGTGGAGAAGGGCAGCTTGCCCGAGTTCTACTACAGACCCCCGCGGCCCCCC[A>AAAGGTGCCTGC]AAGGTGCCTGCAAGGTGCCGGCGCAGGAGAGCCAGGATGTCAGCGGGAGCCGCCCGGCGG-3'

ClinVar aggregate classification (germline): Pathogenic. Review status: criteria provided, multiple submitters, no conflicts (2 of 4 stars). 2 submissions from 2 submitters: Pathogenic (2). Last evaluated 2024-10-15.

Conditions:
Hereditary cancer-predisposing syndrome. Also called: Hereditary Cancer Syndrome; Tumor predisposition; Neoplastic Syndromes, Hereditary; Hereditary neoplastic syndrome. Identifiers: Orphanet 140162, MedGen C0027672, MeSH D009386, MONDO:0015356.
Multiple endocrine neoplasia type 4. Also called: MULTIPLE ENDOCRINE NEOPLASIA, TYPE IV. Identifiers: Orphanet 276152, MedGen C1970712, MONDO:0012552, OMIM 610755.

Submissions (2):

Ambry Genetics
Classification: Pathogenic for Hereditary cancer-predisposing syndrome. Last evaluated: 2024-10-15. Review status: criteria provided, single submitter. Criteria: Ambry Variant Classification Scheme 2023. Collection method: clinical testing. Allele origin: germline.
Comment: The c.295_305dup11 variant, located in coding exon 1 of the CDKN1B gene, results from a duplication of TGCAAGGTGCC at nucleotide position 295, causing a translational frameshift with a predicted alternate stop codon (p.Q104Rfs*19). This variant is considered to be rare based on population cohorts in the Genome Aggregation Database (gnomAD). This alteration is expected to result in loss of function by premature protein truncation or nonsense-mediated mRNA decay. As such, this alteration is interpreted as a disease-causing mutation.

Labcorp Genetics (formerly Invitae), Labcorp
Classification: Pathogenic for Multiple endocrine neoplasia type 4. Last evaluated: 2023-09-09. Review status: criteria provided, single submitter. Criteria: Invitae Variant Classification Sherloc (09022015). Collection method: clinical testing. Allele origin: germline.
Comment: For these reasons, this variant has been classified as Pathogenic. This variant has not been reported in the literature in individuals affected with CDKN1B-related conditions. This variant is not present in population databases (gnomAD no frequency). This sequence change creates a premature translational stop signal (p.Gln104Argfs*19) in the CDKN1B gene. It is expected to result in an absent or disrupted protein product. Loss-of-function variants in CDKN1B are known to be pathogenic (PMID: 17030811, 24819502).

Literature cited by the submitters: PubMed 17030811 (cited by Labcorp Genetics (formerly Invitae), Labcorp); PubMed 24819502 (cited by Labcorp Genetics (formerly Invitae), Labcorp).